The following is an entry in ClinVar:

NM_001044370.2(MPPED1):c.257C>T (p.Pro86Leu)

Gene: MPPED1 (metallophosphoesterase domain containing 1; plus strand). Cytogenetic location: 22q13.2.
Variant type: single nucleotide variant.
Coding change: c.257C>T on transcript NM_001044370.2 (MANE Select); coding-DNA position 257, C replaced by T.
Protein change: p.Pro86Leu; replaces proline 86 with leucine.
Molecular consequence: missense variant.
Genome position (GRCh38, 1-based): chr22:43,435,066, C>T. VCF-style: chr22-43435066-C-T. GRCh37 (hg19) VCF-style: chr22-43830986-C-T.
Other names: c.257C>T, p.Pro86Leu (NM_001362786.2); short protein forms P86L.
Identifiers: ClinVar variation 3874231 (VCV003874231.1).

ClinVar aggregate classification (germline): Uncertain significance (1 of 4 stars; one submission).

gnomAD v4.1: 197 of 1,613,728 alleles (0.012%); highest among the groups gnomAD compares: Non-Finnish European, 0.016%; no homozygotes.

Submission:

Ambry Genetics
Classification: Uncertain significance. Last evaluated: 2025-01-17. Review status: criteria provided, single submitter. Criteria: Ambry Variant Classification Scheme 2023. Collection method: clinical testing. Allele origin: germline.
Comment: The c.257C>T (p.P86L) alteration is located in exon (coding exon ) of the MPPED1 gene. This alteration results from a C to T substitution at nucleotide position 257, causing the proline (P) at amino acid position 86 to be replaced by a leucine (L). Based on insufficient or conflicting evidence, the clinical significance of this alteration remains unclear.